The following is an entry in ClinVar:

NM_001199753.2(CPT1C):c.2309G>A (p.Arg770His)

Gene: CPT1C (carnitine palmitoyltransferase 1C; plus strand). Cytogenetic location: 19q13.33.
Variant type: single nucleotide variant.
Coding change: c.2309G>A on transcript NM_001199753.2 (MANE Select); coding-DNA position 2309, G replaced by A.
Protein change: p.Arg770His; replaces arginine 770 with histidine.
Molecular consequence: missense variant. On other transcripts: non-coding transcript variant (1).
Genome position (GRCh38, 1-based): chr19:49,713,502, G>A. VCF-style: chr19-49713502-G-A. GRCh37 (hg19) VCF-style: chr19-50216759-G-A.
Other names: c.2276G>A, p.Arg759His (NM_001136052.3, NM_001378485.1); c.2309G>A, p.Arg770His (NM_001199752.3, NM_001378483.1, NM_001378484.1 and 1 more transcripts); c.2375G>A, p.Arg792His (NM_001378482.1); c.2174G>A, p.Arg725His (NM_001378486.1, NM_001378488.1); c.2141G>A, p.Arg714His (NM_001378487.1); short protein forms R714H, R725H, R770H, R792H, R759H.
Identifiers: ClinVar variation 2857900 (VCV002857900.3), dbSNP rs754397461, ClinGen allele CA9582498.
Genomic context (GRCh38, chr19:49,713,502, plus strand): 5'-ACATTGAGGACGCACTGCTGGATGTGGCCTCCCTGTTCCAGGCGGGACAGCATTTTAAGC[G>A]CCGGTTCAGAGGGTCAGGGAAGGAGAACTCCAGGCACAGGTGTGGATTTCTCTCCCGCCA-3'
Protein context (NP_001186682.1, residues 760-780): SLFQAGQHFK[Arg770His]RFRGSGKENS

ClinVar aggregate classification (germline): Uncertain significance (1 of 4 stars; one submission).

Conditions:
Hereditary spastic paraplegia 73. Also called: Spastic paraplegia 73, autosomal dominant. Identifiers: Orphanet 444099, MedGen C5568981, MONDO:0014568, OMIM 616282.

Allele frequency attached by ClinVar (database versions not stated): TOPMed 0.00001; ExAC 0.00001; gnomAD 0.00001.
gnomAD v4.1: 33 of 1,614,056 alleles (0.002%); highest among the groups gnomAD compares: Admixed American, 0.005%; no homozygotes.

Submission:

Labcorp Genetics (formerly Invitae), Labcorp
Classification: Uncertain significance for Hereditary spastic paraplegia 73. Last evaluated: 2025-04-28. Review status: criteria provided, single submitter. Criteria: Invitae Variant Classification Sherloc (09022015). Collection method: clinical testing. Allele origin: germline.
Comment: This sequence change replaces arginine, which is basic and polar, with histidine, which is basic and polar, at codon 759 of the CPT1C protein (p.Arg759His). This variant is present in population databases (rs754397461, gnomAD 0.006%). This variant has not been reported in the literature in individuals affected with CPT1C-related conditions. ClinVar contains an entry for this variant (Variation ID: 2857900). An algorithm developed to predict the effect of missense changes on protein structure and function (PolyPhen-2) suggests that this variant is likely to be tolerated. In summary, the available evidence is currently insufficient to determine the role of this variant in disease. Therefore, it has been classified as a Variant of Uncertain Significance.